The following is an entry in ClinVar:

NM_003126.4(SPTA1):c.2665G>T (p.Ala889Ser)

Gene: SPTA1 (spectrin alpha, erythrocytic 1; minus strand). Cytogenetic location: 1q23.1.
Variant type: single nucleotide variant.
Coding change: c.2665G>T on transcript NM_003126.4 (MANE Select); coding-DNA position 2665, G replaced by T.
Protein change: p.Ala889Ser; replaces alanine 889 with serine.
Molecular consequence: missense variant.
Genome position (GRCh38, 1-based): chr1:158,657,617, C>A on the plus strand (G>T on the coding strand, the complement: SPTA1 is on the minus strand). VCF-style: chr1-158657617-C-A. GRCh37 (hg19) VCF-style: chr1-158627407-C-A.
Other names: c.2665G>T (NM_003126.2); short protein forms A889S.
Identifiers: ClinVar variation 2436364 (VCV002436364.7), dbSNP rs200293444, ClinGen allele CA1183316.
Genomic context (GRCh38, chr1:158,657,617, plus strand): 5'-GCAGGTCAGCCAGGTACTGCTGGAACTGGACATTGGCTTCAAGATCATTTTGTCGCCTAG[C>A]AGCTCGAGCACGGAGAGACTCCATATTCTGGTTCAAACTCTTGACCCTAGAGGCCACATC-3'
Protein context (NP_003117.2, residues 879-899): QNMESLRARA[Ala889Ser]RRQNDLEANV

ClinVar aggregate classification (germline): Conflicting classifications of pathogenicity. Review status: criteria provided, conflicting classifications (1 of 4 stars). 4 submissions from 4 submitters: Uncertain significance (3); Likely benign (1). Last evaluated 2025-06-22.

Conditions:
SPTA1-related disorder. Also called: SPTA1-related disorders; SPTA1-related condition.

Allele frequency attached by ClinVar (database versions not stated): gnomAD exomes below 0.00001; 1000 Genomes Project 0.00020; ExAC 0.00002; TOPMed 0.00006; gnomAD 0.00008; 1000 Genomes Project 30x 0.00031.
gnomAD v4.1: 19 of 1,614,108 alleles (0.0012%); highest among the groups gnomAD compares: African/African-American, 0.024%; no homozygotes.

Submissions (4):

Labcorp Genetics (formerly Invitae), Labcorp
Classification: Likely benign. Last evaluated: 2025-06-22. Review status: criteria provided, single submitter. Criteria: Invitae Variant Classification Sherloc (09022015). Collection method: clinical testing. Allele origin: germline.

Ambry Genetics
Classification: Uncertain significance. Last evaluated: 2024-06-10. Review status: criteria provided, single submitter. Criteria: Ambry Variant Classification Scheme 2023. Collection method: clinical testing. Allele origin: germline.

PreventionGenetics, part of Exact Sciences
Classification: Uncertain significance for SPTA1-related condition. Last evaluated: 2023-03-14. Review status: criteria provided, single submitter. Criteria: ACMG Guidelines, 2015. Collection method: clinical testing. Allele origin: germline.
Comment: The SPTA1 c.2665G>T variant is predicted to result in the amino acid substitution p.Ala889Ser. To our knowledge, this variant has not been reported in the literature or in a large population database, indicating this variant is rare. At this time, the clinical significance of this variant is uncertain due to the absence of conclusive functional and genetic evidence.

Revvity Omics, Revvity
Classification: Uncertain significance. Last evaluated: 2021-12-17. Review status: criteria provided, single submitter. Criteria: ACMG Guidelines, 2015. Collection method: clinical testing. Allele origin: germline.